The following is an entry in ClinVar:

ClinVar aggregate classification (germline): Uncertain significance (1 of 4 stars; one submission).

Conditions:
Dilated cardiomyopathy 1AA (CMD1AA). Also called: CARDIOMYOPATHY, DILATED, 1AA, WITH OR WITHOUT LEFT VENTRICULAR NONCOMPACTION; CARDIOMYOPATHY, FAMILIAL HYPERTROPHIC, 23, WITH OR WITHOUT LEFT VENTRICULAR NONCOMPACTION; Cardiomyopathy, dilated, 1AA, with or without LVNC. Identifiers: Orphanet 154, MedGen C2677338, MONDO:0012808, OMIM 612158.
Primary familial hypertrophic cardiomyopathy (HCM). Identifiers: Orphanet 99739, MedGen C0949658, MeSH D024741, MONDO:0024573. Inheritance: Various modes of inheritance.

Submission:

Labcorp Genetics (formerly Invitae), Labcorp
Classification: Uncertain significance for Primary familial hypertrophic cardiomyopathy; Dilated cardiomyopathy 1AA. Last evaluated: 2025-06-01. Review status: criteria provided, single submitter. Criteria: Invitae Variant Classification Sherloc (09022015). Collection method: clinical testing. Allele origin: germline.
Comment: This sequence change replaces glutamine, which is neutral and polar, with arginine, which is basic and polar, at codon 314 of the ACTN2 protein (p.Gln314Arg). This variant is not present in population databases (gnomAD no frequency). This variant has not been reported in the literature in individuals affected with ACTN2-related conditions. Invitae Evidence Modeling of protein sequence and biophysical properties (such as structural, functional, and spatial information, amino acid conservation, physicochemical variation, residue mobility, and thermodynamic stability) indicates that this missense variant is not expected to disrupt ACTN2 protein function with a negative predictive value of 80%. In summary, the available evidence is currently insufficient to determine the role of this variant in disease. Therefore, it has been classified as a Variant of Uncertain Significance.

NM_001103.4(ACTN2):c.941A>G (p.Gln314Arg)

Gene: ACTN2 (actinin alpha 2; plus strand). Cytogenetic location: 1q43.
Variant type: single nucleotide variant.
Coding change: c.941A>G on transcript NM_001103.4 (MANE Select); coding-DNA position 941, A replaced by G.
Protein change: p.Gln314Arg; replaces glutamine 314 with arginine.
Molecular consequence: missense variant. On other transcripts: non-coding transcript variant (1).
Genome position (GRCh38, 1-based): chr1:236,739,366, A>G. VCF-style: chr1-236739366-A-G. GRCh37 (hg19) VCF-style: chr1-236902666-A-G.
Other names: c.941A>G, p.Gln314Arg (NM_001278343.2); short protein forms Q314R.
Identifiers: ClinVar variation 4787539 (VCV004787539.1).
Genomic context (GRCh38, chr1:236,739,366, plus strand): 5'-TGGAATGGATTCGTCGCACGATCCCCTGGCTGGAGAACCGGACTCCCGAGAAGACCATGC[A>G]AGCCATGCAGAAGAAGCTGGAGGACTTCCGGGATTACCGCCGGAAGCACAAGCCACCCAA-3'
Protein context (NP_001094.1, residues 304-324): LENRTPEKTM[Gln314Arg]AMQKKLEDFR